The following is an entry in ClinVar:

ClinVar aggregate classification (germline): Likely benign (1 of 4 stars; one submission).

Submission:

CeGaT Center for Human Genetics Tuebingen
Classification: Likely benign. Last evaluated: 2026-08-01. Review status: criteria provided, single submitter. Criteria: CeGaT Center For Human Genetics Tuebingen Variant Classification Criteria Version 2. Collection method: clinical testing. Allele origin: germline. Affected: yes. Observed: 2 variant alleles.
Comment: BTBD17: PM2:Supporting, BP4, BP7

NM_001080466.2(BTBD17):c.717T>C (p.Gly239=)

Gene: BTBD17 (BTB domain containing 17; minus strand). Cytogenetic location: 17q25.1.
Variant type: single nucleotide variant.
Coding change: c.717T>C on transcript NM_001080466.2 (MANE Select); coding-DNA position 717, T replaced by C.
Protein change: p.Gly239=; no amino-acid change (glycine 239 retained).
Molecular consequence: synonymous variant.
Genome position (GRCh38, 1-based): chr17:74,357,377, A>G on the plus strand (T>C on the coding strand, the complement: BTBD17 is on the minus strand). VCF-style: chr17-74357377-A-G. GRCh37 (hg19) VCF-style: chr17-72353516-A-G.
Identifiers: ClinVar variation 4873348 (VCV004873348.2).